The following is an entry in ClinVar:

ClinVar aggregate classification (germline): Uncertain significance (1 of 4 stars; one submission).

gnomAD v4.1: 5 of 1,614,104 alleles (0.00031%); highest among the groups gnomAD compares: South Asian, 0.0044%; no homozygotes.

Submission:

GeneDx
Classification: Uncertain significance. Last evaluated: 2026-03-19. Review status: criteria provided, single submitter. Criteria: GeneDx Variant Classification Process June 2021. Collection method: clinical testing. Allele origin: germline.
Comment: Not observed at significant frequency in large population cohorts (gnomAD); In silico analysis suggests that this missense variant does not alter protein structure/function; Has not been previously published as pathogenic or benign to our knowledge

NM_001080508.3(TBX18):c.652G>C (p.Val218Leu)

Gene: TBX18 (T-box transcription factor 18; minus strand). Cytogenetic location: 6q14.3.
Variant type: single nucleotide variant.
Coding change: c.652G>C on transcript NM_001080508.3 (MANE Select); coding-DNA position 652, G replaced by C.
Protein change: p.Val218Leu; replaces valine 218 with leucine.
Molecular consequence: missense variant.
Genome position (GRCh38, 1-based): chr6:84,756,817, C>G on the plus strand (G>C on the coding strand, the complement: TBX18 is on the minus strand). VCF-style: chr6-84756817-C-G. GRCh37 (hg19) VCF-style: chr6-85466535-C-G.
Other names: short protein forms V218L.
Identifiers: ClinVar variation 5009516 (VCV005009516.1).